The following is an entry in ClinVar:

ClinVar aggregate classification (germline): Likely benign. Review status: criteria provided, multiple submitters, no conflicts (2 of 4 stars). 6 submissions from 6 submitters: Likely benign (6). Last evaluated 2025-09-05.

Conditions:
MYH6-related disorder. Also called: MYH6-Related Disorders; MYH6-related condition.
Hypertrophic cardiomyopathy 14. Identifiers: MedGen C2750467, MONDO:0013197, OMIM 613251.

Allele frequency attached by ClinVar (database versions not stated): ExAC 0.00003; gnomAD 0.00012; TOPMed 0.00013; 1000 Genomes Project 30x 0.00016; 1000 Genomes Project 0.00020.
gnomAD v4.1: 27 of 1,606,460 alleles (0.0017%); highest among the groups gnomAD compares: African/African-American, 0.035%; no homozygotes.

Submissions (6):

PreventionGenetics, part of Exact Sciences
Classification: Likely benign for MYH6-related condition. Last evaluated: 2025-09-05. Review status: criteria provided, single submitter. Criteria: ACMG Guidelines, 2015. Collection method: clinical testing. Allele origin: germline.
Comment: This variant is classified as likely benign based on ACMG/AMP sequence variant interpretation guidelines (Richards et al. 2015 PMID: 25741868, with internal and published modifications).

Labcorp Genetics (formerly Invitae), Labcorp
Classification: Likely benign for Hypertrophic cardiomyopathy 14. Last evaluated: 2025-04-13. Review status: criteria provided, single submitter. Criteria: Invitae Variant Classification Sherloc (09022015). Collection method: clinical testing. Allele origin: germline.

Women's Health and Genetics/Laboratory Corporation of America, LabCorp
Classification: Likely benign. Last evaluated: 2024-11-10. Review status: criteria provided, single submitter. Criteria: LabCorp Variant Classification Summary - May 2015. Collection method: clinical testing. Allele origin: germline.

Blueprint Genetics
Classification: Likely benign. Last evaluated: 2022-09-16. Review status: criteria provided, single submitter. Criteria: ACMG Guidelines, 2015. Collection method: clinical testing. Allele origin: germline.

GeneDx
Classification: Likely benign. Last evaluated: 2017-11-17. Review status: criteria provided, single submitter. Criteria: GeneDx Variant Classification (06012015). Collection method: clinical testing. Allele origin: germline. Affected: yes.
Comment: This variant is considered likely benign or benign based on one or more of the following criteria: it is a conservative change, it occurs at a poorly conserved position in the protein, it is predicted to be benign by multiple in silico algorithms, and/or has population frequency not consistent with disease.

Laboratory for Molecular Medicine, Mass General Brigham Personalized Medicine
Classification: Likely benign. Last evaluated: 2015-03-24. Review status: criteria provided, single submitter. Criteria: LMM Criteria. Collection method: clinical testing. Allele origin: germline. Inheritance: Autosomal dominant inheritance. Observed: 1 variant allele.
Comment: c.3342+10T>C in intron 25 of MYH6: This variant is not expected to have clinical significance because it does not affect the splice consensus sequence. It has been identified in 4/10406 African chromosomes by the Exome Aggregation Consort ium (ExAC).

NM_002471.4(MYH6):c.3342+10T>C

Gene: MYH6 (myosin heavy chain 6; minus strand). Cytogenetic location: 14q11.2.
Variant type: single nucleotide variant.
Coding change: c.3342+10T>C on transcript NM_002471.4 (MANE Select); 10 bases into the intron after coding-DNA position 3342, T replaced by C.
Molecular consequence: intron variant.
Genome position (GRCh38, 1-based): chr14:23,392,552, A>G on the plus strand (T>C on the coding strand, the complement: MYH6 is on the minus strand). VCF-style: chr14-23392552-A-G. GRCh37 (hg19) VCF-style: chr14-23861761-A-G.
Identifiers: ClinVar variation 227587 (VCV000227587.17), dbSNP rs552662475, ClinGen allele CA7115224.